The following is an entry in ClinVar:

ClinVar aggregate classification (germline): Uncertain significance. Review status: criteria provided, multiple submitters, no conflicts (2 of 4 stars). 2 submissions from 2 submitters: Uncertain significance (2). Last evaluated 2025-01-06.

Conditions:
POLD1-related polyposis and colorectal cancer syndrome (CRCS10). Also called: Colorectal cancer 10; COLORECTAL CANCER, SUSCEPTIBILITY TO, ON CHROMOSOME 19q; Colorectal cancer, susceptibility to, 10. Identifiers: Orphanet 220460, MedGen C2675481, MONDO:0012953, OMIM 612591.
Hereditary cancer-predisposing syndrome. Also called: Neoplastic Syndromes, Hereditary; Tumor predisposition; Hereditary Cancer Syndrome; Hereditary neoplastic syndrome. Identifiers: Orphanet 140162, MedGen C0027672, MeSH D009386, MONDO:0015356.

Submissions (2):

Ambry Genetics
Classification: Uncertain significance for Hereditary cancer-predisposing syndrome. Last evaluated: 2025-01-06. Review status: criteria provided, single submitter. Criteria: Ambry Variant Classification Scheme 2023. Collection method: clinical testing. Allele origin: germline.
Comment: The p.Y371H variant (also known as c.1111T>C), located in coding exon 8 of the POLD1 gene, results from a T to C substitution at nucleotide position 1111. The tyrosine at codon 371 is replaced by histidine, an amino acid with similar properties. This amino acid position is conserved. In addition, this alteration is predicted to be tolerated by in silico analysis. Based on the available evidence, the clinical significance of this variant remains unclear.

Labcorp Genetics (formerly Invitae), Labcorp
Classification: Uncertain significance for POLD1-related polyposis and colorectal cancer syndrome. Last evaluated: 2024-07-08. Review status: criteria provided, single submitter. Criteria: Invitae Variant Classification Sherloc (09022015). Collection method: clinical testing. Allele origin: germline.
Comment: This sequence change replaces tyrosine, which is neutral and polar, with histidine, which is basic and polar, at codon 371 of the POLD1 protein (p.Tyr371His). This variant is not present in population databases (gnomAD no frequency). This variant has not been reported in the literature in individuals affected with POLD1-related conditions. ClinVar contains an entry for this variant (Variation ID: 1492694). Advanced modeling of protein sequence and biophysical properties (such as structural, functional, and spatial information, amino acid conservation, physicochemical variation, residue mobility, and thermodynamic stability) performed at Invitae indicates that this missense variant is not expected to disrupt POLD1 protein function with a negative predictive value of 80%. In summary, the available evidence is currently insufficient to determine the role of this variant in disease. Therefore, it has been classified as a Variant of Uncertain Significance.

NM_002691.4(POLD1):c.1111T>C (p.Tyr371His)

Gene: POLD1 (DNA polymerase delta 1, catalytic subunit; plus strand). Cytogenetic location: 19q13.33.
Variant type: single nucleotide variant.
Coding change: c.1111T>C on transcript NM_002691.4 (MANE Select); coding-DNA position 1111, T replaced by C.
Protein change: p.Tyr371His; replaces tyrosine 371 with histidine.
Molecular consequence: missense variant. On other transcripts: non-coding transcript variant (1).
Genome position (GRCh38, 1-based): chr19:50,403,193, T>C. VCF-style: chr19-50403193-T-C. GRCh37 (hg19) VCF-style: chr19-50906450-T-C.
Other names: c.1111T>C, p.Tyr371His (NM_001256849.1, NM_001308632.1); c.1111T>C (NM_002691.2); short protein forms Y371H.
Identifiers: ClinVar variation 1492694 (VCV001492694.9), dbSNP rs2122271731, ClinGen allele CA406978348.